The following is an entry in ClinVar:

ClinVar aggregate classification (germline): Uncertain significance (1 of 4 stars; one submission).

gnomAD v4.1: 4 of 1,527,324 alleles (0.00026%); highest among the groups gnomAD compares: Non-Finnish European, 0.00035%; no homozygotes.

Submission:

Labcorp Genetics (formerly Invitae), Labcorp
Classification: Uncertain significance. Last evaluated: 2024-02-10. Review status: criteria provided, single submitter. Criteria: Invitae Variant Classification Sherloc (09022015). Collection method: clinical testing. Allele origin: germline.
Comment: This sequence change creates a premature translational stop signal (p.Gln1510*) in the TET2 gene. While this is not anticipated to result in nonsense mediated decay, it is expected to disrupt the last 493 amino acid(s) of the TET2 protein. This variant is not present in population databases (gnomAD no frequency). This variant has not been reported in the literature in individuals affected with TET2-related conditions. Experimental studies and prediction algorithms are not available or were not evaluated, and the functional significance of this variant is currently unknown. In summary, the available evidence is currently insufficient to determine the role of this variant in disease. Therefore, it has been classified as a Variant of Uncertain Significance.

NM_001127208.3(TET2):c.4528C>T (p.Gln1510Ter)

Genes: TET2 (tet methylcytosine dioxygenase 2; plus strand), TET2-AS1 (TET2 antisense RNA 1; minus strand). Cytogenetic location: 4q24.
Variant type: single nucleotide variant.
Coding change: c.4528C>T on transcript NM_001127208.3 (MANE Select); coding-DNA position 4528, C replaced by T.
Protein change: p.Gln1510Ter; replaces glutamine 1510 with a stop codon.
Molecular consequence: nonsense.
Genome position (GRCh38, 1-based): chr4:105,272,909, C>T. VCF-style: chr4-105272909-C-T. GRCh37 (hg19) VCF-style: chr4-106194066-C-T.
Other names: short protein forms Q1510*.
Identifiers: ClinVar variation 3697059 (VCV003697059.2).
Genomic context (GRCh38, chr4:105,272,909, plus strand): 5'-GAAAAGGAAAAGTCAGCCCCATCACGTACAAAACAAACTGAAAACGCAAGCCAGGCTAAA[C>T]AGTTGGCAGGTAAATTTAATGTAAAGCATTTGTAGATAAATGTGTTGTGTGGTATATTAA-3'